The following is an entry in ClinVar:

NM_019066.5(MAGEL2):c.1061G>A (p.Gly354Asp)

Gene: MAGEL2 (MAGE family member L2; minus strand). Cytogenetic location: 15q11.2.
Variant type: single nucleotide variant.
Coding change: c.1061G>A on transcript NM_019066.5 (MANE Select); coding-DNA position 1061, G replaced by A.
Protein change: p.Gly354Asp; replaces glycine 354 with aspartic acid.
Molecular consequence: missense variant.
Genome position (GRCh38, 1-based): chr15:23,646,682, C>T on the plus strand (G>A on the coding strand, the complement: MAGEL2 is on the minus strand). VCF-style: chr15-23646682-C-T. GRCh37 (hg19) VCF-style: chr15-23891829-C-T.
Other names: short protein forms G354D.
Identifiers: ClinVar variation 3348973 (VCV003348973.1).

ClinVar aggregate classification (germline): Uncertain significance (0 of 4 stars; one submission).

Conditions:
MAGEL2-related disorder. Also called: MAGEL2-related condition.

gnomAD v4.1: 1 of 1,517,176 alleles (0.000066%); no homozygotes.

Submission:

PreventionGenetics, part of Exact Sciences
Classification: Uncertain significance for MAGEL2-related condition. Last evaluated: 2024-02-21. Review status: no assertion criteria provided. Collection method: clinical testing. Allele origin: germline.
Comment: The MAGEL2 c.1061G>A variant is predicted to result in the amino acid substitution p.Gly354Asp. To our knowledge, this variant has not been reported in the literature or in a large population database, indicating this variant is rare. At this time, the clinical significance of this variant is uncertain due to the absence of conclusive functional and genetic evidence.